The following is an entry in ClinVar:

ClinVar aggregate classification (germline): Uncertain significance (1 of 4 stars; one submission).

Allele frequency attached by ClinVar (database versions not stated): gnomAD 0.00001.
gnomAD v4.1: 2 of 1,614,170 alleles (0.00012%); highest among the groups gnomAD compares: East Asian, 0.0022%; no homozygotes.

Submission:

Labcorp Genetics (formerly Invitae), Labcorp
Classification: Uncertain significance. Last evaluated: 2021-12-13. Review status: criteria provided, single submitter. Criteria: Invitae Variant Classification Sherloc (09022015). Collection method: clinical testing. Allele origin: germline.
Comment: This variant is not present in population databases (gnomAD no frequency). This sequence change replaces histidine, which is basic and polar, with tyrosine, which is neutral and polar, at codon 972 of the ADAMTS18 protein (p.His972Tyr). In summary, the available evidence is currently insufficient to determine the role of this variant in disease. Therefore, it has been classified as a Variant of Uncertain Significance. Algorithms developed to predict the effect of missense changes on protein structure and function are either unavailable or do not agree on the potential impact of this missense change (SIFT: "Not Available"; PolyPhen-2: "Benign"; Align-GVGD: "Not Available"). This variant has not been reported in the literature in individuals affected with ADAMTS18-related conditions.

NM_199355.4(ADAMTS18):c.2914C>T (p.His972Tyr)

Gene: ADAMTS18 (ADAM metallopeptidase with thrombospondin type 1 motif 18; minus strand). Cytogenetic location: 16q23.1.
Variant type: single nucleotide variant.
Coding change: c.2914C>T on transcript NM_199355.4 (MANE Select); coding-DNA position 2914, C replaced by T.
Protein change: p.His972Tyr; replaces histidine 972 with tyrosine.
Molecular consequence: missense variant.
Genome position (GRCh38, 1-based): chr16:77,295,015, G>A on the plus strand (C>T on the coding strand, the complement: ADAMTS18 is on the minus strand). VCF-style: chr16-77295015-G-A. GRCh37 (hg19) VCF-style: chr16-77328912-G-A.
Other names: c.2398C>T, p.His800Tyr (NM_001326358.2); short protein forms H800Y, H972Y.
Identifiers: ClinVar variation 1897351 (VCV001897351.5), dbSNP rs1231964799, ClinGen allele CA396833476.